The following is an entry in ClinVar:

ClinVar aggregate classification (germline): Likely benign (1 of 4 stars; one submission).

Allele frequency attached by ClinVar (database versions not stated): TOPMed 0.00002.
gnomAD v4.1: 15 of 1,208,353 alleles (0.0012%); highest among the groups gnomAD compares: Middle Eastern, 0.11%; 1 homozygote.

Submission:

CeGaT Center for Human Genetics Tuebingen
Classification: Likely benign. Last evaluated: 2022-07-01. Review status: criteria provided, single submitter. Criteria: CeGaT Center For Human Genetics Tuebingen Variant Classification Criteria Version 2. Collection method: clinical testing. Allele origin: germline. Affected: yes. Observed: 1 variant allele.
Comment: TEX13A: BP4, BP7

NM_031274.5(TEX13A):c.810C>G (p.Val270=)

Genes: IL1RAPL2 (interleukin 1 receptor accessory protein like 2; plus strand), TEX13A (testis expressed 13A; minus strand). Cytogenetic location: Xq22.3.
Variant type: single nucleotide variant.
Coding change: c.810C>G on transcript NM_031274.5 (MANE Select); coding-DNA position 810, C replaced by G.
Protein change: p.Val270=; no amino-acid change (valine 270 retained).
Molecular consequence: synonymous variant. On other transcripts: intron variant (1).
Genome position (GRCh38, 1-based): chrX:105,219,384, G>C on the plus strand (C>G on the coding strand, the complement: TEX13A is on the minus strand). VCF-style: chrX-105219384-G-C. GRCh37 (hg19) VCF-style: chrX-104464066-G-C.
Other names: c.810C>G, p.Val270= (NM_001291277.2); c.357-14434G>C (NM_017416.2).
Identifiers: ClinVar variation 2661120 (VCV002661120.24), dbSNP rs1388477620, ClinGen allele CA518102186.